The following is an entry in ClinVar:

NM_014336.5(AIPL1):c.401A>T (p.Tyr134Phe)

Gene: AIPL1 (AIP like 1 HSP90 co-chaperone; minus strand). Cytogenetic location: 17p13.2.
Variant type: single nucleotide variant.
Coding change: c.401A>T on transcript NM_014336.5 (MANE Select); coding-DNA position 401, A replaced by T.
Protein change: p.Tyr134Phe; replaces tyrosine 134 with phenylalanine.
Molecular consequence: missense variant. On other transcripts: intron variant (1).
Genome position (GRCh38, 1-based): chr17:6,428,382, T>A on the plus strand (A>T on the coding strand, the complement: AIPL1 is on the minus strand). VCF-style: chr17-6428382-T-A. GRCh37 (hg19) VCF-style: chr17-6331702-T-A.
Other names: NM_014336.5(AIPL1):c.401A>T; c.221A>T, p.Tyr74Phe (NM_001033055.3); c.365A>T, p.Tyr122Phe (NM_001285399.3); c.335A>T, p.Tyr112Phe (NM_001285400.3); c.401A>T, p.Tyr134Phe (NM_001285401.3, NM_001285403.4); c.284A>T, p.Tyr95Phe (NM_001285402.2); c.277-1325A>T (NM_001033054.3); short protein forms Y134F, Y112F, Y122F, Y74F, Y95F.
Identifiers: ClinVar variation 196465 (VCV000196465.75), dbSNP rs16955851, ClinGen allele CA202389.
Genomic context (GRCh38, chr17:6,428,382, plus strand): 5'-AGCAGCTCGATCACAAAGACCAGAGGCTGAGGCTCCTTCTGCAGCTCGTCCAGGTCCTCG[T>A]AGCCCAGCGTGTGGTAGGCGAACATGTTGGCCAGCCCGCACGTGTGCACGTGCCACTCTG-3'
Protein context (NP_055151.3, residues 124-144): ANMFAYHTLG[Tyr134Phe]EDLDELQKEP

ClinVar aggregate classification (germline): Benign. Review status: reviewed by expert panel (3 of 4 stars). 11 submissions from 11 submitters: Benign (1). 10 of the submissions do not count toward it. Last evaluated 2025-09-29.

Conditions:
AIPL1-related retinopathy. Also called: AIPL1 retinopathy. Identifiers: MedGen CN305590, MONDO:0100438.
Leber congenital amaurosis 1 (LCA1). Also called: Congenital absence of the rods and cones; Leber's congenital tapetoretinal degeneration; Leber's congenital tapetoretinal dysplasia; RETINAL BLINDNESS, CONGENITAL; AMAUROSIS CONGENITA OF LEBER I. Identifiers: Orphanet 65, MedGen C2931258, MONDO:0008764, OMIM 204000.
Leber congenital amaurosis 4 (LCA4). Identifiers: MedGen C1858386, MONDO:0011458, OMIM 604393.

Allele frequency attached by ClinVar (database versions not stated): 1000 Genomes Project 0.00200; 1000 Genomes Project 30x 0.00203; gnomAD 0.00397 and 0.00404; gnomAD exomes 0.00401 and 0.00603; TOPMed 0.00402; ExAC 0.00418; ESP Exome Variant Server 0.00546.
gnomAD v4.1: 9,321 of 1,612,788 alleles (0.58%); highest among the groups gnomAD compares: Non-Finnish European, 0.7%; 49 homozygotes.

Submissions (11):

ClinGen Leber Congenital Amaurosis/early Onset Retinal Dystrophy Variant Curation Expert Panel, ClinGen
Classification: Benign for AIPL1-related retinopathy. Last evaluated: 2025-09-29. Review status: reviewed by expert panel. Criteria: ClinGen LCAeoRD ACMG Specifications AIPL1 V1.0.0. Collection method: curation. Allele origin: germline. Inheritance: Autosomal recessive inheritance.
Comment: NM_014336.5(AIPL1):c.401A>T (p.Tyr134Phe) is a missense variant in exon 3 of 6 that is predicted to replace tyrosine with phenylalanine at amino acid p.134. This variant is present in gnomAD v.4.1.0 at a GrpMax allele frequency of 0.006905, with 8,298 alleles / 1,180,030 total alleles in the European (non-Finnish) population, which is higher than the ClinGen LCA/eoRD VCEP BA1 threshold of >0.0057 (BA1). It has also been found in the homozygous state in 49 adult individuals in gnomAD which exceeds the LCA/eoRD VCEP threshold of ≥6 (gnomAD version 4.1.0; BS2). The computational predictor REVEL gives a score of 0.845, which is above the ClinGen LCA/eoRD VCEP threshold of ≥0.774 and predicts a damaging effect on AIPL1 protein function (PP3_Moderate). The splicing impact predictor SpliceAI gives a delta score of 0, which is below the ClinGen LCA/eoRD VCEP recommended threshold of <0.1 and does not predict an impact on splicing. The variant exhibited >90% enzymatic activity in a cGMP hydrolysis assay relative to the wild-type control, as well as cytoplasmic and nuclear localization similar to the wild-type (PMID: 27268253), however, these assays are not approved to meet BS3_Supporting. In summary, this variant meets the criteria to be classified as Benign for AIPL1-related retinopathy based on the ACMG/AMP criteria applied, as specified by the ClinGen LCA/eoRD VCEP: BA1, BS2, and PP3_Moderate. (VCEP specifications version 1.0.0; date of approval 09/24/2025).

Labcorp Genetics (formerly Invitae), Labcorp
Classification: Benign for Leber congenital amaurosis 4. Last evaluated: 2026-02-02. Review status: criteria provided, single submitter. Criteria: Invitae Variant Classification Sherloc (09022015). Collection method: clinical testing. Allele origin: germline. Not counted in ClinVar's aggregate classification.

Blueprint Genetics
Classification: Likely benign. Last evaluated: 2024-11-26. Review status: criteria provided, single submitter. Criteria: ACMG Guidelines, 2015. Collection method: clinical testing. Allele origin: germline. Not counted in ClinVar's aggregate classification.

CeGaT Center for Human Genetics Tuebingen
Classification: Likely benign. Last evaluated: 2024-06-01. Review status: criteria provided, single submitter. Criteria: CeGaT Center For Human Genetics Tuebingen Variant Classification Criteria Version 2. Collection method: clinical testing. Allele origin: germline. Affected: yes. Observed: 4 variant alleles. Not counted in ClinVar's aggregate classification.
Comment: AIPL1: BS2

ARUP Laboratories, Molecular Genetics and Genomics, ARUP Laboratories
Classification: Benign. Last evaluated: 2023-10-09. Review status: criteria provided, single submitter. Criteria: ARUP Molecular Germline Variant Investigation Process 2024. Collection method: clinical testing. Allele origin: germline. Not counted in ClinVar's aggregate classification.

Women's Health and Genetics/Laboratory Corporation of America, LabCorp
Classification: Benign. Last evaluated: 2022-02-18. Review status: criteria provided, single submitter. Criteria: LabCorp Variant Classification Summary - May 2015. Collection method: clinical testing. Allele origin: germline. Not counted in ClinVar's aggregate classification.
Comment: Variant summary: AIPL1 c.401A>T (p.Tyr134Phe) results in a conservative amino acid change in the encoded protein sequence. Three of five in-silico tools predict a damaging effect of the variant on protein function. The variant allele was found at a frequency of 0.004 in 250268 control chromosomes in the gnomAD database, including 6 homozygotes. The observed variant frequency is approximately 3.58 fold of the estimated maximal expected allele frequency for a pathogenic variant in AIPL1 causing Leber Congenital Amaurosis phenotype (0.0011), strongly suggesting that the variant is benign. c.401A>T has been reported in the literature in individuals affected with Leber Congenital Amaurosis and in ethnically-matched controls (Astuti_2016). Six clinical diagnostic laboratories have submitted clinical-significance assessments for this variant to ClinVar after 2014 without evidence for independent evaluation. Multiple laboratories reported the variant with conflicting assessments: four classify as likely benign/benign while two classify as VUS. Based on the evidence outlined above, the variant was classified as benign.

Mendelics
Classification: Likely benign for Leber congenital amaurosis 1. Last evaluated: 2019-05-28. Review status: criteria provided, single submitter. Criteria: Mendelics Assertion Criteria 2017. Collection method: clinical testing. Allele origin: unknown. Not counted in ClinVar's aggregate classification.

Laboratory for Molecular Medicine, Mass General Brigham Personalized Medicine
Classification: Benign. Last evaluated: 2019-01-04. Review status: criteria provided, single submitter. Criteria: ACMG Guidelines, 2015. Collection method: clinical testing. Allele origin: germline. Not counted in ClinVar's aggregate classification.
Comment: The p.Tyr134Phe variant in AIPL1 is classified as benign because it has been identified in 0.7% (840/129112) of European chromosomes and 6 homozygotes by gnomAD. ACMG/AMP Criteria applied: BA1.

Illumina Laboratory Services, Illumina
Classification: Uncertain significance for Leber congenital amaurosis 4. Last evaluated: 2017-04-27. Review status: criteria provided, single submitter. Criteria: ICSL Variant Classification Criteria 13 December 2019. Collection method: clinical testing. Allele origin: germline. Not counted in ClinVar's aggregate classification.
Comment: This variant was observed as part of a predisposition screen in an ostensibly healthy population. A literature search was performed for the gene, cDNA change, and amino acid change (where applicable). Publications were found based on this search. However, the evidence from the literature, in combination with allele frequency data from public databases where available, was not sufficient to rule this variant in or out of causing disease. Therefore, this variant is classified as a variant of unknown significance.

Eurofins Ntd Llc (ga)
Classification: Likely benign. Last evaluated: 2015-05-05. Review status: criteria provided, single submitter. Criteria: EGL Classification Definitions 2015. Collection method: clinical testing. Allele origin: germline. Observed: 3 variant alleles, 3 heterozygotes. Not counted in ClinVar's aggregate classification.

PreventionGenetics, part of Exact Sciences
Classification: Benign. Review status: criteria provided, single submitter. Criteria: ACMG Guidelines, 2015. Collection method: clinical testing. Allele origin: germline. Not counted in ClinVar's aggregate classification.

Literature cited by the submitters: PubMed 26626312 (cited by Women's Health and Genetics/Laboratory Corporation of America, LabCorp); PubMed 29068479 (cited by Women's Health and Genetics/Laboratory Corporation of America, LabCorp); PubMed 18055820 (cited by Illumina Laboratory Services, Illumina); PubMed 15249368 (cited by Illumina Laboratory Services, Illumina); PubMed 23737531 (cited by Eurofins Ntd Llc (ga)).